The following is an entry in ClinVar:

ClinVar aggregate classification (germline): Likely benign (0 of 4 stars; one submission).

Conditions:
ALMS1-related disorder. Also called: ALMS1-related condition.

Submission:

PreventionGenetics, part of Exact Sciences
Classification: Likely benign for ALMS1-related condition. Last evaluated: 2022-08-22. Review status: no assertion criteria provided. Collection method: clinical testing. Allele origin: germline.
Comment: This variant is classified as likely benign based on ACMG/AMP sequence variant interpretation guidelines (Richards et al. 2015 PMID: 25741868, with internal and published modifications).

NM_001378454.1(ALMS1):c.11952C>T (p.Gly3984=)

Genes: ALMS1 (ALMS1 centrosome and basal body associated protein; plus strand), LOC126806252 (BRD4-independent group 4 enhancer GRCh37_chr2:73828496-73829695; plus strand). Cytogenetic location: 2p13.1.
Variant type: single nucleotide variant.
Coding change: c.11952C>T on transcript NM_001378454.1 (MANE Select); coding-DNA position 11952, C replaced by T.
Protein change: p.Gly3984=; no amino-acid change (glycine 3984 retained).
Molecular consequence: synonymous variant.
Genome position (GRCh38, 1-based): chr2:73,601,274, C>T. VCF-style: chr2-73601274-C-T. GRCh37 (hg19) VCF-style: chr2-73828401-C-T.
Other names: c.11955C>T, p.Gly3985= (NM_015120.4).
Identifiers: ClinVar variation 3351247 (VCV003351247.1).